The following is an entry in ClinVar:

ClinVar aggregate classification (germline): Uncertain significance. Review status: criteria provided, multiple submitters, no conflicts (2 of 4 stars). 3 submissions from 3 submitters: Uncertain significance (3). Last evaluated 2024-12-06.

Conditions:
Frontotemporal dementia and/or amyotrophic lateral sclerosis 4. Also called: FTDALS4. Identifiers: Orphanet 275872, MedGen C4225325, MONDO:0014641, OMIM 616439.
Motor neuron disease. Also called: Degenerative motor system disease; Motor neuron disorder. Identifiers: Orphanet 98503, MedGen C0085084, MONDO:0020128.

Allele frequency attached by ClinVar (database versions not stated): gnomAD exomes 0.00001 and 0.00002; ExAC 0.00002; gnomAD 0.00004; TOPMed 0.00008.

Submissions (3):

Molecular Genetics, Royal Melbourne Hospital
Classification: Uncertain significance for Frontotemporal dementia and/or amyotrophic lateral sclerosis 4. Last evaluated: 2024-12-06. Review status: criteria provided, single submitter. Criteria: ACMG Guidelines, 2015. Collection method: clinical testing. Allele origin: germline. Inheritance: Autosomal dominant inheritance.
Comment: Based on the classification scheme RMH Modified ACMG/AMP Guidelines v1.7.1, this variant is classified as VOUS. Following criteria are met: BP4

Labcorp Genetics (formerly Invitae), Labcorp
Classification: Uncertain significance for Frontotemporal dementia and/or amyotrophic lateral sclerosis 4. Last evaluated: 2021-07-26. Review status: criteria provided, single submitter. Criteria: Invitae Variant Classification Sherloc (09022015). Collection method: clinical testing. Allele origin: germline.
Comment: In summary, the available evidence is currently insufficient to determine the role of this variant in disease. Therefore, it has been classified as a Variant of Uncertain Significance. This sequence change replaces threonine with isoleucine at codon 503 of the TBK1 protein (p.Thr503Ile). The threonine residue is highly conserved and there is a moderate physicochemical difference between threonine and isoleucine. This variant is present in population databases (rs779715292, ExAC 0.01%). This variant has been observed in individual(s) with clinical features of Alzheimer disease or motor neuron disease (PMID: 28089114, 32317127). ClinVar contains an entry for this variant (Variation ID: 266071). Advanced modeling of protein sequence and biophysical properties (such as structural, functional, and spatial information, amino acid conservation, physicochemical variation, residue mobility, and thermodynamic stability) performed at Invitae indicates that this missense variant is not expected to disrupt TBK1 protein function.

Centre for Genomic and Experimental Medicine, University of Edinburgh
Classification: Uncertain significance for Motor neuron disease. Last evaluated: 2016-08-31. Review status: criteria provided, single submitter. Criteria: Submitter's publication. Collection method: case-control. Allele origin: unknown. Affected: yes. Observed: 1 heterozygote.

Literature cited by the submitters: PubMed 28089114 (cited by Labcorp Genetics (formerly Invitae), Labcorp and Centre for Genomic and Experimental Medicine, University of Edinburgh); PubMed 32317127 (cited by Labcorp Genetics (formerly Invitae), Labcorp).

NM_013254.4(TBK1):c.1508C>T (p.Thr503Ile)

Gene: TBK1 (TANK binding kinase 1; plus strand). Cytogenetic location: 12q14.2.
Variant type: single nucleotide variant.
Coding change: c.1508C>T on transcript NM_013254.4 (MANE Select); coding-DNA position 1508, C replaced by T.
Protein change: p.Thr503Ile; replaces threonine 503 with isoleucine.
Molecular consequence: missense variant.
Genome position (GRCh38, 1-based): chr12:64,490,106, C>T. VCF-style: chr12-64490106-C-T. GRCh37 (hg19) VCF-style: chr12-64883886-C-T.
Other names: c.1508C>T, p.Thr503Ile (LRG_1306t1); short protein forms T503I.
Identifiers: ClinVar variation 266071 (VCV000266071.7), dbSNP rs779715292, ClinGen allele CA6669079.
Genomic context (GRCh38, chr12:64,490,106, plus strand): 5'-AAAAGTTGATGAAGATCAACCTGGAAGCGGCAGAGTTAGGTGAAATTTCAGACATACACA[C>T]CAAATTGTTGAGAGTAAGTGTTTACAAAATTACGAAATTTGTAAGCTCATAACCTATTCC-3'
Protein context (NP_037386.1, residues 493-513): AELGEISDIH[Thr503Ile]KLLRLSSSQG